The following is an entry in ClinVar:

NM_032892.5(FRMD5):c.1263C>T (p.Asp421=)

Gene: FRMD5 (FERM domain containing 5; minus strand). Cytogenetic location: 15q15.3.
Variant type: single nucleotide variant.
Coding change: c.1263C>T on transcript NM_032892.5 (MANE Select); coding-DNA position 1263, C replaced by T.
Protein change: p.Asp421=; no amino-acid change (aspartic acid 421 retained).
Molecular consequence: synonymous variant. On other transcripts: non-coding transcript variant (1).
Genome position (GRCh38, 1-based): chr15:43,874,335, G>A on the plus strand (C>T on the coding strand, the complement: FRMD5 is on the minus strand). VCF-style: chr15-43874335-G-A. GRCh37 (hg19) VCF-style: chr15-44166533-G-A.
Other names: c.981C>T, p.Asp327= (NM_001286490.2); c.561C>T, p.Asp187= (NM_001286491.2); c.1263C>T, p.Asp421= (NM_001322949.2, NM_001322950.2, NM_001411124.1); c.1158C>T, p.Asp386= (NM_001322951.2).
Identifiers: ClinVar variation 4988156 (VCV004988156.1).

ClinVar aggregate classification (germline): Likely benign (1 of 4 stars; one submission).

Conditions:
FRMD5-related condition.

gnomAD v4.1: 36 of 1,614,090 alleles (0.0022%); highest among the groups gnomAD compares: African/African-American, 0.031%; no homozygotes.

Submission:

PreventionGenetics, part of Exact Sciences
Classification: Likely benign for FRMD5-related condition. Last evaluated: 2025-06-13. Review status: criteria provided, single submitter. Criteria: ACMG Guidelines, 2015. Collection method: clinical testing. Allele origin: germline.
Comment: This variant is classified as likely benign based on ACMG/AMP sequence variant interpretation guidelines (Richards et al. 2015 PMID: 25741868, with internal and published modifications).